The following is an entry in ClinVar:

ClinVar aggregate classification (germline): Uncertain significance (1 of 4 stars; one submission).

Conditions:
Hereditary pulmonary alveolar proteinosis. Also called: Pulmonary surfactant metabolism dysfunction. Identifiers: Orphanet 264675, MedGen C3711368, MONDO:0012580.

Allele frequency attached by ClinVar (database versions not stated): TOPMed below 0.00001.
gnomAD v4.1: 2 of 1,602,128 alleles (0.00012%); highest among the groups gnomAD compares: Non-Finnish European, 0.00017%; no homozygotes.

Submission:

Ambry Genetics
Classification: Uncertain significance for Hereditary pulmonary alveolar proteinosis. Last evaluated: 2016-12-09. Review status: criteria provided, single submitter. Criteria: Ambry Variant Classification Scheme 2023. Collection method: clinical testing. Allele origin: germline.
Comment: The p.Q353E variant (also known as c.1057C>G), located in coding exon 9 of the SFTPB gene, results from a C to G substitution at nucleotide position 1057. The glutamine at codon 353 is replaced by glutamic acid, an amino acid with highly similar properties. This amino acid position is not well conserved in available vertebrate species. In addition, this alteration is predicted to be tolerated by in silico analysis. Since supporting evidence is limited at this time, the clinical significance of this alteration remains unclear.

NM_000542.5(SFTPB):c.1021C>G (p.Gln341Glu)

Gene: SFTPB (surfactant protein B; minus strand). Cytogenetic location: 2p11.2.
Variant type: single nucleotide variant.
Coding change: c.1021C>G on transcript NM_000542.5 (MANE Select); coding-DNA position 1021, C replaced by G.
Protein change: p.Gln341Glu; replaces glutamine 341 with glutamic acid.
Molecular consequence: missense variant. On other transcripts: intron variant (1).
Genome position (GRCh38, 1-based): chr2:85,662,091, G>C on the plus strand (C>G on the coding strand, the complement: SFTPB is on the minus strand). VCF-style: chr2-85662091-G-C. GRCh37 (hg19) VCF-style: chr2-85889214-G-C.
Other names: c.1021C>G, p.Gln341Glu (NM_198843.4); c.1002+1255C>G (NM_001367281.1); short protein forms Q341E.
Identifiers: ClinVar variation 1778926 (VCV001778926.2), dbSNP rs1677335461, ClinGen allele CA347486003.